The following is an entry in ClinVar:

NM_003680.4(YARS1):c.310A>G (p.Met104Val)

Gene: YARS1 (tyrosyl-tRNA synthetase 1; minus strand). Cytogenetic location: 1p35.1.
Variant type: single nucleotide variant.
Coding change: c.310A>G on transcript NM_003680.4 (MANE Select); coding-DNA position 310, A replaced by G.
Protein change: p.Met104Val; replaces methionine 104 with valine.
Molecular consequence: missense variant.
Genome position (GRCh38, 1-based): chr1:32,810,661, T>C on the plus strand (A>G on the coding strand, the complement: YARS1 is on the minus strand). VCF-style: chr1-32810661-T-C. GRCh37 (hg19) VCF-style: chr1-33276262-T-C.
Other names: short protein forms M104V.
Identifiers: ClinVar variation 1321093 (VCV001321093.6), dbSNP rs763185222, ClinGen allele CA745232.

ClinVar aggregate classification (germline): Uncertain significance. Review status: criteria provided, multiple submitters, no conflicts (2 of 4 stars). 3 submissions from 3 submitters: Uncertain significance (3). Last evaluated 2024-12-02.

Conditions:
Charcot-Marie-Tooth disease dominant intermediate C (CMTDIC). Also called: CHARCOT-MARIE-TOOTH NEUROPATHY, DOMINANT INTERMEDIATE C. Identifiers: Orphanet 100045, MedGen C1842237, MONDO:0012012, OMIM 608323.

Allele frequency attached by ClinVar (database versions not stated): gnomAD exomes 0.00001 and 0.00002; ExAC 0.00003.

Submissions (3):

Women's Health and Genetics/Laboratory Corporation of America, LabCorp
Classification: Uncertain significance. Last evaluated: 2024-12-02. Review status: criteria provided, single submitter. Criteria: LabCorp Variant Classification Summary - May 2015. Collection method: clinical testing. Allele origin: germline.
Comment: Variant summary: YARS1 c.310A>G (p.Met104Val) results in a conservative amino acid change located in the catalytic core domain of tyrosinyl-tRNA synthetase (IPR002307) of the encoded protein sequence. Three of five in-silico tools predict a benign effect of the variant on protein function. The variant allele was found at a frequency of 1.1e-05 in 1614060 control chromosomes. This frequency is not significantly higher than estimated for a pathogenic variant in YARS1 causing Neurologic, endocrine, and pancreatic disease, multisystem, infantile-onset 2 (1.1e-05 vs 0.0011), allowing no conclusion about variant significance. To our knowledge, no occurrence of c.310A>G in individuals affected with Neurologic, endocrine, and pancreatic disease, multisystem, infantile-onset 2 and no experimental evidence demonstrating its impact on protein function have been reported. ClinVar contains an entry for this variant (Variation ID: 1321093). Based on the evidence outlined above, the variant was classified as uncertain significance.

Labcorp Genetics (formerly Invitae), Labcorp
Classification: Uncertain significance for Charcot-Marie-Tooth disease dominant intermediate C. Last evaluated: 2023-07-10. Review status: criteria provided, single submitter. Criteria: Invitae Variant Classification Sherloc (09022015). Collection method: clinical testing. Allele origin: germline.
Comment: In summary, the available evidence is currently insufficient to determine the role of this variant in disease. Therefore, it has been classified as a Variant of Uncertain Significance. Advanced modeling of protein sequence and biophysical properties (such as structural, functional, and spatial information, amino acid conservation, physicochemical variation, residue mobility, and thermodynamic stability) performed at Invitae indicates that this missense variant is not expected to disrupt YARS protein function. ClinVar contains an entry for this variant (Variation ID: 1321093). This variant has not been reported in the literature in individuals affected with YARS-related conditions. This variant is present in population databases (rs763185222, gnomAD 0.004%). This sequence change replaces methionine, which is neutral and non-polar, with valine, which is neutral and non-polar, at codon 104 of the YARS protein (p.Met104Val).

GeneDx
Classification: Uncertain significance. Last evaluated: 2019-08-06. Review status: criteria provided, single submitter. Criteria: GeneDx Variant Classification Process June 2021. Collection method: clinical testing. Allele origin: germline. Affected: yes.
Comment: Not observed at a significant frequency in large population cohorts (Lek et al., 2016); In silico analysis, which includes protein predictors and evolutionary conservation, supports a deleterious effect; Has not been previously published as pathogenic or benign to our knowledge